The following is an entry in ClinVar:

ClinVar aggregate classification (germline): Likely benign (1 of 4 stars; one submission).

Allele frequency attached by ClinVar (database versions not stated): 1000 Genomes Project 30x 0.00047; 1000 Genomes Project 0.00060; ESP Exome Variant Server 0.00192.
gnomAD v4.1: 5,320 of 1,607,616 alleles (0.33%); highest among the groups gnomAD compares: Non-Finnish European, 0.4%; 11 homozygotes.

Submission:

CeGaT Center for Human Genetics Tuebingen
Classification: Likely benign. Last evaluated: 2023-08-01. Review status: criteria provided, single submitter. Criteria: CeGaT Center For Human Genetics Tuebingen Variant Classification Criteria Version 2. Collection method: clinical testing. Allele origin: germline. Affected: yes. Observed: 1 variant allele.
Comment: ASTL: BP4, BS2

NM_001002036.4(ASTL):c.610C>T (p.Arg204Cys)

Gene: ASTL (astacin like metalloendopeptidase; minus strand). Cytogenetic location: 2q11.2.
Variant type: single nucleotide variant.
Coding change: c.610C>T on transcript NM_001002036.4 (MANE Select); coding-DNA position 610, C replaced by T.
Protein change: p.Arg204Cys; replaces arginine 204 with cysteine.
Molecular consequence: missense variant.
Genome position (GRCh38, 1-based): chr2:96,132,567, G>A on the plus strand (C>T on the coding strand, the complement: ASTL is on the minus strand). VCF-style: chr2-96132567-G-A. GRCh37 (hg19) VCF-style: chr2-96798306-G-A.
Other names: short protein forms R204C.
Identifiers: ClinVar variation 2651139 (VCV002651139.24), dbSNP rs143172084, ClinGen allele CA1776318.